The following is an entry in ClinVar:

ClinVar aggregate classification (germline): Uncertain significance. Review status: criteria provided, multiple submitters, no conflicts (2 of 4 stars). 3 submissions from 3 submitters: Uncertain significance (3). Last evaluated 2025-06-12.

Submissions (3):

Dasa
Classification: Uncertain significance. Last evaluated: 2025-06-12. Review status: criteria provided, single submitter. Criteria: DASA Assertion Criteria. Collection method: clinical testing. Allele origin: germline.
Comment: NM_001378452.1(ITPR1):c.5279G>A (p.Gly1760Glu) is a missense variant that results in the substitution of glycine with glutamic acid. This variant is absent from population databases. The currently available literature and clinical evidence are not sufficient to establish a definitive association between this variant and the reported condition. Therefore, this variant is classified as a variant of uncertain significance.

Blueprint Genetics
Classification: Uncertain significance. Last evaluated: 2023-12-19. Review status: criteria provided, single submitter. Criteria: ACMG Guidelines, 2015. Collection method: clinical testing. Allele origin: germline.

Labcorp Genetics (formerly Invitae), Labcorp
Classification: Uncertain significance. Last evaluated: 2023-03-21. Review status: criteria provided, single submitter. Criteria: Invitae Variant Classification Sherloc (09022015). Collection method: clinical testing. Allele origin: germline.
Comment: This sequence change replaces glycine, which is neutral and non-polar, with glutamic acid, which is acidic and polar, at codon 1697 of the ITPR1 protein (p.Gly1697Glu). In summary, the available evidence is currently insufficient to determine the role of this variant in disease. Therefore, it has been classified as a Variant of Uncertain Significance. Advanced modeling of protein sequence and biophysical properties (such as structural, functional, and spatial information, amino acid conservation, physicochemical variation, residue mobility, and thermodynamic stability) performed at Invitae indicates that this missense variant is not expected to disrupt ITPR1 protein function. This variant has not been reported in the literature in individuals affected with ITPR1-related conditions. This variant is not present in population databases (gnomAD no frequency).

NM_001378452.1(ITPR1):c.5279G>A (p.Gly1760Glu)

Gene: ITPR1 (inositol 1,4,5-trisphosphate receptor type 1; plus strand). Cytogenetic location: 3p26.1.
Variant type: single nucleotide variant.
Coding change: c.5279G>A on transcript NM_001378452.1 (MANE Select); coding-DNA position 5279, G replaced by A.
Protein change: p.Gly1760Glu; replaces glycine 1760 with glutamic acid.
Molecular consequence: missense variant.
Genome position (GRCh38, 1-based): chr3:4,733,146, G>A. VCF-style: chr3-4733146-G-A. GRCh37 (hg19) VCF-style: chr3-4774830-G-A.
Other names: c.5135G>A, p.Gly1712Glu (NM_001099952.4); c.5234G>A, p.Gly1745Glu (NM_001168272.2); c.5090G>A, p.Gly1697Glu (NM_002222.7); short protein forms G1697E, G1712E, G1745E, G1760E.
Identifiers: ClinVar variation 2998702 (VCV002998702.6), dbSNP rs932506974, ClinGen allele CA68828115.